The following is an entry in ClinVar:

ClinVar aggregate classification (germline): Uncertain significance (1 of 4 stars; one submission).

Conditions:
Hypertrophic cardiomyopathy 26. Also called: Cardiomyopathy, familial hypertrophic, 26. Identifiers: Orphanet 75249, MedGen C4310749, MONDO:0014883, OMIM 617047.
Myofibrillar myopathy 5. Also called: Filaminopathy (type); FILAMINOPATHY, AUTOSOMAL DOMINANT. Identifiers: Orphanet 171445, MedGen C1836050, MONDO:0012289, OMIM 609524.
Distal myopathy with posterior leg and anterior hand involvement. Also called: WILLIAMS DISTAL MYOPATHY. Identifiers: Orphanet 63273, MedGen C3279722, MONDO:0013550, OMIM 614065.

Submission:

Labcorp Genetics (formerly Invitae), Labcorp
Classification: Uncertain significance for Distal myopathy with posterior leg and anterior hand involvement; Myofibrillar myopathy 5; Hypertrophic cardiomyopathy 26. Last evaluated: 2025-12-15. Review status: criteria provided, single submitter. Criteria: Invitae Variant Classification Sherloc (09022015). Collection method: clinical testing. Allele origin: germline.
Comment: This sequence change replaces phenylalanine, which is neutral and non-polar, with serine, which is neutral and polar, at codon 673 of the FLNC protein (p.Phe673Ser). This variant is not present in population databases (gnomAD no frequency). This variant has not been reported in the literature in individuals affected with FLNC-related conditions. Invitae Evidence Modeling of protein sequence and biophysical properties (such as structural, functional, and spatial information, amino acid conservation, physicochemical variation, residue mobility, and thermodynamic stability) has been performed for this missense variant. However, the output from this modeling did not meet the statistical confidence thresholds required to predict the impact of this variant on FLNC protein function. In summary, the available evidence is currently insufficient to determine the role of this variant in disease. Therefore, it has been classified as a Variant of Uncertain Significance.

NM_001458.5(FLNC):c.2018T>C (p.Phe673Ser)

Gene: FLNC (filamin C; plus strand). Cytogenetic location: 7q32.1.
Variant type: single nucleotide variant.
Coding change: c.2018T>C on transcript NM_001458.5 (MANE Select); coding-DNA position 2018, T replaced by C.
Protein change: p.Phe673Ser; replaces phenylalanine 673 with serine.
Molecular consequence: missense variant.
Genome position (GRCh38, 1-based): chr7:128,841,464, T>C. VCF-style: chr7-128841464-T-C. GRCh37 (hg19) VCF-style: chr7-128481518-T-C.
Other names: c.2018T>C, p.Phe673Ser (NM_001127487.2); short protein forms F673S.
Identifiers: ClinVar variation 4812407 (VCV004812407.1).